The following is an entry in ClinVar:

ClinVar aggregate classification (germline): Uncertain significance. Review status: criteria provided, multiple submitters, no conflicts (2 of 4 stars). 4 submissions from 4 submitters: Uncertain significance (2). 2 of the submissions do not count toward it. Last evaluated 2024-03-06.

Conditions:
PKD1-related disorder. Also called: PKD1-related condition.
Polycystic kidney disease, adult type (PKD1). Also called: Polycystic Kidney Disease 1, Autosomal Dominant; Polycystic kidney disease 1; Polycystic kidney disease 1, severe; POLYCYSTIC KIDNEY DISEASE 1 WITH OR WITHOUT POLYCYSTIC LIVER DISEASE; POLYCYSTIC KIDNEY DISEASE, ADULT, TYPE I; Polycystic Kidney, Autosomal Dominant. Identifiers: MedGen C3149841, MONDO:0008263, OMIM 173900.

Allele frequency attached by ClinVar (database versions not stated): gnomAD 0.00002 and 0.00003; TOPMed 0.00002; ExAC 0.00004; gnomAD exomes 0.00005; 1000 Genomes Project 30x 0.00016; 1000 Genomes Project 0.00020.
gnomAD v4.1: 53 of 1,611,910 alleles (0.0033%); highest among the groups gnomAD compares: East Asian, 0.0089%; no homozygotes.

Submissions (4):

GeneDx
Classification: Uncertain significance. Last evaluated: 2024-03-06. Review status: criteria provided, single submitter. Criteria: GeneDx Variant Classification Process June 2021. Collection method: clinical testing. Allele origin: germline. Affected: yes.
Comment: In silico analysis supports that this missense variant does not alter protein structure/function; Has not been previously published as pathogenic or benign to our knowledge

Athena Diagnostics
Classification: Uncertain significance. Last evaluated: 2021-09-21. Review status: criteria provided, single submitter. Criteria: Athena Diagnostics Criteria. Collection method: clinical testing. Allele origin: unknown.

PreventionGenetics, part of Exact Sciences
Classification: Uncertain significance for PKD1-related condition. Last evaluated: 2024-02-26. Review status: no assertion criteria provided. Collection method: clinical testing. Allele origin: germline. Not counted in ClinVar's aggregate classification.
Comment: The PKD1 c.3736G>A variant is predicted to result in the amino acid substitution p.Asp1246Asn. To our knowledge, this variant has not been reported in the literature. This variant is reported in 0.021% of alleles in individuals of East Asian descent in gnomAD. At this time, the clinical significance of this variant is uncertain due to the absence of conclusive functional and genetic evidence.

Bioscientia Institut fuer Medizinische Diagnostik GmbH, Sonic Healthcare
Classification: Uncertain significance for Polycystic kidney disease, adult type. Last evaluated: 2017-12-19. Review status: no assertion criteria provided. Collection method: clinical testing. Allele origin: germline. Affected: yes. Not counted in ClinVar's aggregate classification.

NM_001009944.3(PKD1):c.3736G>A (p.Asp1246Asn)

Gene: PKD1 (polycystin 1, transient receptor potential channel interacting; minus strand). Cytogenetic location: 16p13.3.
Variant type: single nucleotide variant.
Coding change: c.3736G>A on transcript NM_001009944.3 (MANE Select); coding-DNA position 3736, G replaced by A.
Protein change: p.Asp1246Asn; replaces aspartic acid 1246 with asparagine.
Molecular consequence: missense variant.
Genome position (GRCh38, 1-based): chr16:2,111,431, C>T on the plus strand (G>A on the coding strand, the complement: PKD1 is on the minus strand). VCF-style: chr16-2111431-C-T. GRCh37 (hg19) VCF-style: chr16-2161432-C-T.
Other names: c.3736G>A, p.Asp1246Asn (NM_000296.4); short protein forms D1246N.
Identifiers: ClinVar variation 599055 (VCV000599055.5), dbSNP rs553360241, ClinGen allele CA7832650.